The following is an entry in ClinVar:

ClinVar aggregate classification (germline): Likely benign. Review status: criteria provided, single submitter (1 of 4 stars). 2 submissions from 2 submitters: Likely benign (1). 1 of the submissions does not count toward it. Last evaluated 2025-12-21.

Conditions:
Alzheimer disease. Also called: Presenile and senile dementia; Alzheimer's disease. Identifiers: Orphanet 1020, MedGen C0002395, MeSH D000544, MONDO:0004975, HP:0002511.
APP-related disorder. Also called: APP-related condition.

gnomAD v4.1: 12 of 1,614,088 alleles (0.00074%); highest among the groups gnomAD compares: Non-Finnish European, 0.001%; no homozygotes.

Submissions (2):

Labcorp Genetics (formerly Invitae), Labcorp
Classification: Likely benign for Alzheimer disease. Last evaluated: 2025-12-21. Review status: criteria provided, single submitter. Criteria: Invitae Variant Classification Sherloc (09022015). Collection method: clinical testing. Allele origin: germline.

PreventionGenetics, part of Exact Sciences
Classification: Likely benign for APP-related condition. Last evaluated: 2021-12-29. Review status: no assertion criteria provided. Collection method: clinical testing. Allele origin: germline. Not counted in ClinVar's aggregate classification.
Comment: This variant is classified as likely benign based on ACMG/AMP sequence variant interpretation guidelines (Richards et al. 2015 PMID: 25741868, with internal and published modifications).

NM_000484.4(APP):c.975C>G (p.Gly325=)

Gene: APP (amyloid beta precursor protein; minus strand). Cytogenetic location: 21q21.3.
Variant type: single nucleotide variant.
Coding change: c.975C>G on transcript NM_000484.4 (MANE Select); coding-DNA position 975, C replaced by G.
Protein change: p.Gly325=; no amino-acid change (glycine 325 retained).
Molecular consequence: synonymous variant. On other transcripts: intron variant (5).
Genome position (GRCh38, 1-based): chr21:26,000,073, G>C on the plus strand (C>G on the coding strand, the complement: APP is on the minus strand). VCF-style: chr21-26000073-G-C. GRCh37 (hg19) VCF-style: chr21-27372388-G-C.
Other names: c.960C>G, p.Gly320= (NM_001136016.3); c.807C>G, p.Gly269= (NM_001136130.3); c.975C>G, p.Gly325= (NM_001204301.2, NM_001204302.2, NM_201413.3); c.761-17596C>G (NM_001136131.3); c.698-17596C>G (NM_001136129.3); c.866-17596C>G (NM_001204303.2, NM_201414.3); c.866-2657C>G (NM_001385253.1).
Identifiers: ClinVar variation 3059142 (VCV003059142.3), dbSNP rs201622977, ClinGen allele CA511696794.